The following is an entry in ClinVar:

NM_013275.6(ANKRD11):c.5777del (p.Pro1926fs)

Gene: ANKRD11 (ankyrin repeat domain 11; minus strand). Cytogenetic location: 16q24.3.
Variant type: Deletion.
Coding change: c.5777del on transcript NM_013275.6 (MANE Select); coding-DNA position 5777, one base deleted (C; older notation c.5777delC).
Protein change: p.Pro1926fs; shifts the reading frame from proline 1926.
Molecular consequence: frameshift variant.
Genome position (GRCh38, 1-based): chr16:89,280,765, G deleted on the plus strand (C on the coding strand, the reverse complement: ANKRD11 is on the minus strand); the first of 6 consecutive G bases (chr16:89,280,765-89,280,770); deleting any one gives the same sequence. VCF-style (leftmost placement, unchanged base first): chr16-89280764-CG-C. GRCh37 (hg19) VCF-style: chr16-89347172-CG-C.
Other names: c.5777del, p.Pro1926fs (NM_001256182.2, NM_001256183.2); short protein forms P1926fs.
Identifiers: ClinVar variation 4850058 (VCV004850058.1).

ClinVar aggregate classification (germline): Pathogenic (1 of 4 stars; one submission).

Conditions:
KBG syndrome (KBGS). Also called: ANKRD11-Related KBG Syndrome. Identifiers: Orphanet 2332, MedGen C0220687, MONDO:0007846, OMIM 148050.

Submission:

Variantyx, Inc.
Classification: Pathogenic for KBG syndrome. Last evaluated: 2025-06-30. Review status: criteria provided, single submitter. Criteria: Variantyx Assertion Criteria 2022. Collection method: clinical testing. Allele origin: de novo. Inheritance: Autosomal dominant inheritance. Affected: yes.
Comment: This is a frameshift variant in the ANKRD11 gene (OMIM: 611192). Pathogenic variants in this gene have been associated with autosomal dominant KBG syndrome. This variant introduces a premature termination codon in exon 9 out of 13 and is expected to result in loss of function, which is a known disease mechanism for ANKRD11 in this disorder (PMID: 21782149, 25125236, 25413698, 25652421) (PVS1). This variant is absent from control populations (PM2), and it has not been reported in individuals with ANKRD11-related disorders in the databases available for review. Based on the current evidence, this variant is classified as pathogenic for autosomal dominant KBG syndrome.

Literature cited by the submitters: PubMed 21782149; PubMed 25125236; PubMed 25413698; PubMed 25652421.